The following is an entry in ClinVar:

NM_001211.6(BUB1B):c.1207A>T (p.Ile403Phe)

Gene: BUB1B (BUB1 mitotic checkpoint serine/threonine kinase B; plus strand). Cytogenetic location: 15q15.1.
Variant type: single nucleotide variant.
Coding change: c.1207A>T on transcript NM_001211.6 (MANE Select); coding-DNA position 1207, A replaced by T.
Protein change: p.Ile403Phe; replaces isoleucine 403 with phenylalanine.
Molecular consequence: missense variant.
Genome position (GRCh38, 1-based): chr15:40,196,693, A>T. VCF-style: chr15-40196693-A-T. GRCh37 (hg19) VCF-style: chr15-40488894-A-T.
Other names: short protein forms I403F.
Identifiers: ClinVar variation 3993749 (VCV003993749.1).

ClinVar aggregate classification (germline): Uncertain significance (1 of 4 stars; one submission).

Conditions:
Inborn genetic diseases. Identifiers: MedGen C0950123, MeSH D030342.

Submission:

Ambry Genetics
Classification: Uncertain significance for Inborn genetic diseases. Last evaluated: 2025-06-10. Review status: criteria provided, single submitter. Criteria: Ambry Variant Classification Scheme 2023. Collection method: clinical testing. Allele origin: germline.
Comment: The p.I403F variant (also known as c.1207A>T), located in coding exon 9 of the BUB1B gene, results from an A to T substitution at nucleotide position 1207. The isoleucine at codon 403 is replaced by phenylalanine, an amino acid with highly similar properties. This amino acid position is conserved. In addition, the in silico prediction for this alteration is inconclusive. Based on the available evidence, the clinical significance of this variant remains unclear.